The following is an entry in ClinVar:

ClinVar aggregate classification (germline): Pathogenic (1 of 4 stars; one submission).

Submission:

Labcorp Genetics (formerly Invitae), Labcorp
Classification: Pathogenic. Last evaluated: 2023-05-15. Review status: criteria provided, single submitter. Criteria: Invitae Variant Classification Sherloc (09022015). Collection method: clinical testing. Allele origin: germline.
Comment: For these reasons, this variant has been classified as Pathogenic. ClinVar contains an entry for this variant (Variation ID: 1405949). This variant has not been reported in the literature in individuals affected with CTNNA1-related conditions. This variant is not present in population databases (gnomAD no frequency). This sequence change creates a premature translational stop signal (p.Gln481Lysfs*43) in the CTNNA1 gene. It is expected to result in an absent or disrupted protein product. Loss-of-function variants in CTNNA1 are known to be pathogenic (PMID: 32051609, 34425242).

Literature cited by the submitters: PubMed 32051609; PubMed 34425242.

NM_001903.5(CTNNA1):c.1441del (p.Gln481fs)

Gene: CTNNA1 (catenin alpha 1; plus strand). Cytogenetic location: 5q31.2.
Variant type: Deletion.
Coding change: c.1441del on transcript NM_001903.5 (MANE Select); coding-DNA position 1441, one base deleted (C; older notation c.1441delC).
Protein change: p.Gln481fs; shifts the reading frame from glutamine 481.
Molecular consequence: frameshift variant. On other transcripts: 5 prime UTR variant (5).
Genome position (GRCh38, 1-based): chr5:138,917,793, C deleted; the last of 3 consecutive C bases (chr5:138,917,791-138,917,793); deleting any one gives the same sequence. VCF-style (leftmost placement, unchanged base first): chr5-138917790-GC-G. GRCh37 (hg19) VCF-style: chr5-138253479-GC-G.
Other names: c.1441del, p.Gln481fs (NM_001290307.3, NM_001323982.2, NM_001323983.1 and 2 more transcripts); c.1132del, p.Gln378fs (NM_001290309.3); c.1072del, p.Gln358fs (NM_001290310.3); c.331del, p.Gln111fs (NM_001290312.1, NM_001323987.1, NM_001323988.1 and 17 more transcripts); c.1348del, p.Gln450fs (NM_001323986.2); c.-9del (NM_001324006.1, NM_001324007.1, NM_001324008.1 and 2 more transcripts); c.238del, p.Gln80fs (NM_001324011.1); c.88del, p.Gln30fs (NM_001324012.1, NM_001324013.1); short protein forms Q378fs, Q80fs, Q30fs, Q450fs, Q481fs, Q358fs, Q111fs.
Identifiers: ClinVar variation 1405949 (VCV001405949.6), dbSNP rs2150234047, ClinGen allele CA2573139143.